The following is an entry in ClinVar:

NM_001278064.2(GRM1):c.2215A>G (p.Ile739Val)

Gene: GRM1 (glutamate metabotropic receptor 1; plus strand). Cytogenetic location: 6q24.3.
Variant type: single nucleotide variant.
Coding change: c.2215A>G on transcript NM_001278064.2 (MANE Select); coding-DNA position 2215, A replaced by G.
Protein change: p.Ile739Val; replaces isoleucine 739 with valine.
Molecular consequence: missense variant.
Genome position (GRCh38, 1-based): chr6:146,399,254, A>G. VCF-style: chr6-146399254-A-G. GRCh37 (hg19) VCF-style: chr6-146720390-A-G.
Other names: c.2215A>G, p.Ile739Val (NM_001278065.2, NM_001278066.1, NM_001278067.1); short protein forms I739V.
Identifiers: ClinVar variation 1704743 (VCV001704743.7), dbSNP rs578089091, ClinGen allele CA4037425.

ClinVar aggregate classification (germline): Uncertain significance. Review status: criteria provided, multiple submitters, no conflicts (2 of 4 stars). 2 submissions from 2 submitters: Uncertain significance (2). Last evaluated 2022-08-31.

Allele frequency attached by ClinVar (database versions not stated): TOPMed 0.00001; gnomAD 0.00003; gnomAD exomes 0.00004; ExAC 0.00011; 1000 Genomes Project 30x 0.00047; 1000 Genomes Project 0.00060.
gnomAD v4.1: 63 of 1,614,052 alleles (0.0039%); highest among the groups gnomAD compares: South Asian, 0.066%; no homozygotes.

Submissions (2):

Labcorp Genetics (formerly Invitae), Labcorp
Classification: Uncertain significance. Last evaluated: 2022-08-31. Review status: criteria provided, single submitter. Criteria: Invitae Variant Classification Sherloc (09022015). Collection method: clinical testing. Allele origin: germline.
Comment: This variant has not been reported in the literature in individuals affected with GRM1-related conditions. In summary, the available evidence is currently insufficient to determine the role of this variant in disease. Therefore, it has been classified as a Variant of Uncertain Significance. Algorithms developed to predict the effect of missense changes on protein structure and function are either unavailable or do not agree on the potential impact of this missense change (SIFT: "Deleterious"; PolyPhen-2: "Benign"; Align-GVGD: "Class C25"). This variant is present in population databases (rs578089091, gnomAD 0.07%). This sequence change replaces isoleucine, which is neutral and non-polar, with valine, which is neutral and non-polar, at codon 739 of the GRM1 protein (p.Ile739Val).

GeneDx
Classification: Uncertain significance. Last evaluated: 2022-03-07. Review status: criteria provided, single submitter. Criteria: GeneDx Variant Classification Process June 2021. Collection method: clinical testing. Allele origin: germline. Affected: yes.
Comment: In silico analysis supports that this missense variant does not alter protein structure/function; Has not been previously published as pathogenic or benign to our knowledge